The following is an entry in ClinVar:

ClinVar aggregate classification (germline): Uncertain significance (1 of 4 stars; one submission).

Allele frequency attached by ClinVar (database versions not stated): gnomAD exomes 0.00001 and 0.00002; TOPMed 0.00001; ExAC 0.00002.
gnomAD v4.1: 33 of 1,614,146 alleles (0.002%); highest among the groups gnomAD compares: Non-Finnish European, 0.0025%; no homozygotes.

Submission:

Labcorp Genetics (formerly Invitae), Labcorp
Classification: Uncertain significance. Last evaluated: 2021-05-12. Review status: criteria provided, single submitter. Criteria: Invitae Variant Classification Sherloc (09022015). Collection method: clinical testing. Allele origin: germline.
Comment: In summary, the available evidence is currently insufficient to determine the role of this variant in disease. Therefore, it has been classified as a Variant of Uncertain Significance. Algorithms developed to predict the effect of missense changes on protein structure and function are either unavailable or do not agree on the potential impact of this missense change (SIFT: "Deleterious"; PolyPhen-2: "Benign"; Align-GVGD: "Class C65"). This variant has not been reported in the literature in individuals with KIF3B-related conditions. This variant is present in population databases (rs778743312, ExAC 0.003%). This sequence change replaces glutamic acid with glycine at codon 522 of the KIF3B protein (p.Glu522Gly). The glutamic acid residue is highly conserved and there is a moderate physicochemical difference between glutamic acid and glycine.

NM_004798.4(KIF3B):c.1565A>G (p.Glu522Gly)

Gene: KIF3B (kinesin family member 3B; plus strand). Cytogenetic location: 20q11.21.
Variant type: single nucleotide variant.
Coding change: c.1565A>G on transcript NM_004798.4 (MANE Select); coding-DNA position 1565, A replaced by G.
Protein change: p.Glu522Gly; replaces glutamic acid 522 with glycine.
Molecular consequence: missense variant.
Genome position (GRCh38, 1-based): chr20:32,316,585, A>G. VCF-style: chr20-32316585-A-G. GRCh37 (hg19) VCF-style: chr20-30904388-A-G.
Other names: short protein forms E522G.
Identifiers: ClinVar variation 1423600 (VCV001423600.6), dbSNP rs778743312, ClinGen allele CA9807764.